The following is an entry in ClinVar:

ClinVar aggregate classification (germline): Uncertain significance (1 of 4 stars; one submission).

Submission:

GeneDx
Classification: Uncertain significance. Last evaluated: 2022-02-01. Review status: criteria provided, single submitter. Criteria: GeneDx Variant Classification Process June 2021. Collection method: clinical testing. Allele origin: germline. Affected: yes.
Comment: Not observed at significant frequency in large population cohorts (gnomAD); In silico analysis supports that this missense variant has a deleterious effect on protein structure/function; Has not been previously published as pathogenic or benign to our knowledge

NM_006842.3(SF3B2):c.1424T>C (p.Val475Ala)

Gene: SF3B2 (splicing factor 3b subunit 2; plus strand). Cytogenetic location: 11q13.1.
Variant type: single nucleotide variant.
Coding change: c.1424T>C on transcript NM_006842.3 (MANE Select); coding-DNA position 1424, T replaced by C.
Protein change: p.Val475Ala; replaces valine 475 with alanine.
Molecular consequence: missense variant.
Genome position (GRCh38, 1-based): chr11:66,059,804, T>C. VCF-style: chr11-66059804-T-C. GRCh37 (hg19) VCF-style: chr11-65827275-T-C.
Other names: short protein forms V475A.
Identifiers: ClinVar variation 1699822 (VCV001699822.2), dbSNP rs2135047519, ClinGen allele CA381381010.